The following is an entry in ClinVar:

ClinVar aggregate classification (germline): Uncertain significance (1 of 4 stars; one submission).

Allele frequency attached by ClinVar (database versions not stated): TOPMed below 0.00001.

Submission:

GeneDx
Classification: Uncertain significance. Last evaluated: 2022-07-27. Review status: criteria provided, single submitter. Criteria: GeneDx Variant Classification Process June 2021. Collection method: clinical testing. Allele origin: germline. Affected: yes.
Comment: Not observed at significant frequency in large population cohorts (gnomAD); In silico analysis supports that this missense variant does not alter protein structure/function; Has not been previously published as pathogenic or benign to our knowledge

NM_138927.4(SON):c.2017C>G (p.Leu673Val)

Gene: SON (SON DNA and RNA binding protein; plus strand). Cytogenetic location: 21q22.11.
Variant type: single nucleotide variant.
Coding change: c.2017C>G on transcript NM_138927.4 (MANE Select); coding-DNA position 2017, C replaced by G.
Protein change: p.Leu673Val; replaces leucine 673 with valine.
Molecular consequence: missense variant. On other transcripts: non-coding transcript variant (1), intron variant (1).
Genome position (GRCh38, 1-based): chr21:33,551,248, C>G. VCF-style: chr21-33551248-C-G. GRCh37 (hg19) VCF-style: chr21-34923554-C-G.
Other names: c.2017C>G, p.Leu673Val (NM_001291411.2, NM_001412133.1, NM_032195.3 and 2 more transcripts); c.244+4869C>G (NM_001291412.3); short protein forms L673V.
Identifiers: ClinVar variation 2412856 (VCV002412856.3), dbSNP rs2085774991, ClinGen allele CA410156717.